The following is an entry in ClinVar:

NM_020800.3(IFT80):c.28G>T (p.Glu10Ter)

Genes: IFT80 (intraflagellar transport 80; minus strand), TRIM59-IFT80 (TRIM59-IFT80 readthrough (NMD candidate); minus strand). Cytogenetic location: 3q25.33.
Variant type: single nucleotide variant.
Coding change: c.28G>T on transcript NM_020800.3 (MANE Select); coding-DNA position 28, G replaced by T.
Protein change: p.Glu10Ter; replaces glutamic acid 10 with a stop codon.
Molecular consequence: nonsense. On other transcripts: non-coding transcript variant (2), 5 prime UTR variant (1).
Genome position (GRCh38, 1-based): chr3:160,384,573, C>A on the plus strand (G>T on the coding strand, the complement: IFT80 is on the minus strand). VCF-style: chr3-160384573-C-A. GRCh37 (hg19) VCF-style: chr3-160102361-C-A.
Other names: c.-604G>T (NM_001190241.2); short protein forms E10*.
Identifiers: ClinVar variation 1957267 (VCV001957267.5), dbSNP rs754091712, ClinGen allele CA355195249.
Genomic context (GRCh38, chr3:160,384,573, plus strand): 5'-AATACTATAATTAAGAAAATCCAATAAGATTTATAAGCATTAAAAGGATATGCTTTGGTT[C>A]TTTTAAAAGAGATATCTTTAGTCTCATGACTCCACTTCCAGCAAAAATTTAAGATGCCAC-3'

ClinVar aggregate classification (germline): Pathogenic (1 of 4 stars; one submission).

Conditions:
Jeune thoracic dystrophy. Also called: Short-rib thoracic dysplasia; Jeune syndrome; Infantile thoracic dystrophy; Thoracic pelvic phalangeal dystrophy; Jeune's syndrome; Chondroectodermal dysplasia-like syndrome. Identifiers: Orphanet 474, MedGen C0265275, MONDO:0018770.

gnomAD v4.1: 2 of 1,508,782 alleles (0.00013%); highest among the groups gnomAD compares: Admixed American, 0.0017%; no homozygotes.

Submission:

Labcorp Genetics (formerly Invitae), Labcorp
Classification: Pathogenic for Jeune thoracic dystrophy. Last evaluated: 2022-05-17. Review status: criteria provided, single submitter. Criteria: Invitae Variant Classification Sherloc (09022015). Collection method: clinical testing. Allele origin: germline.
Comment: Algorithms developed to predict the effect of sequence changes on RNA splicing suggest that this variant may disrupt the consensus splice site. This sequence change creates a premature translational stop signal (p.Glu10*) in the IFT80 gene. It is expected to result in an absent or disrupted protein product. Loss-of-function variants in IFT80 are known to be pathogenic (PMID: 21227999, 23339108, 29068549). This variant is present in population databases (no rsID available, gnomAD 0.003%). This variant has not been reported in the literature in individuals affected with IFT80-related conditions. For these reasons, this variant has been classified as Pathogenic.

Literature cited by the submitters: PubMed 21227999; PubMed 23339108; PubMed 29068549.